The following is an entry in ClinVar:

ClinVar aggregate classification (germline): Pathogenic (1 of 4 stars; one submission).

Conditions:
Cardiac anomalies - developmental delay - facial dysmorphism syndrome (MRFACD). Also called: Impaired intellectual development and distinctive facial features with or without cardiac defects; MED13L Syndrome. Identifiers: Orphanet 369891, MedGen C5192431, MONDO:0014773, OMIM 616789.

Submission:

Women's Health and Genetics/Laboratory Corporation of America, LabCorp
Classification: Pathogenic for Cardiac anomalies - developmental delay - facial dysmorphism syndrome. Last evaluated: 2025-04-01. Review status: criteria provided, single submitter. Criteria: LabCorp Variant Classification Summary - May 2015. Collection method: clinical testing. Allele origin: germline.
Comment: Variant summary: The variant involves the deletion of exons 3-4 in the MED13L gene. A presumed nomenclature of c.(310+1_311-1)_(479+1_480-1)del has been designated for the purposes of this classification. This Copy Number Variant (CNV) is expected to alter the reading frame and predicted to result in a truncation or absence of the encoded protein due to nonsense mediated decay (NMD). The variant was absent in 21694 control chromosomes. c.(310+1_311-1)_(479+1_480-1)del has been reported in the literature as a de novo occurrence in at least one heterozygous individual affected with clinical features of Intellectual Disability And Distinctive Facial Features With Or Without Cardiac Defects (e.g. Torring_2019). To our knowledge, no experimental evidence demonstrating an impact on protein function has been reported. The following publication has been ascertained in the context of this evaluation (PMID: 29959045). ClinVar contains an entry for this variant (Variation ID: 2426139, 872307). Based on the evidence outlined above, the variant was classified as pathogenic.

Literature cited by the submitters: PubMed 29959045.

NC_000012.11:g.(116460407_116534473)_(116549318_116675272)del

Gene: MED13L (mediator complex subunit 13L; minus strand). Cytogenetic location: 12q24.21.
Variant type: Deletion.
Identifiers: ClinVar variation 3896572 (VCV003896572.2).